The following is an entry in ClinVar:

NM_004782.4(SNAP29):c.131A>G (p.Tyr44Cys)

Gene: SNAP29 (synaptosome associated protein 29; plus strand). Cytogenetic location: 22q11.21.
Variant type: single nucleotide variant.
Coding change: c.131A>G on transcript NM_004782.4 (MANE Select); coding-DNA position 131, A replaced by G.
Protein change: p.Tyr44Cys; replaces tyrosine 44 with cysteine.
Molecular consequence: missense variant.
Genome position (GRCh38, 1-based): chr22:20,859,241, A>G. VCF-style: chr22-20859241-A-G. GRCh37 (hg19) VCF-style: chr22-21213529-A-G.
Other names: short protein forms Y44C.
Identifiers: ClinVar variation 1336073 (VCV001336073.17), dbSNP rs780679643, ClinGen allele CA10117020.

ClinVar aggregate classification (germline): Uncertain significance. Review status: criteria provided, multiple submitters, no conflicts (2 of 4 stars). 4 submissions from 4 submitters: Uncertain significance (4). Last evaluated 2025-09-01.

Conditions:
Inborn genetic diseases. Identifiers: MedGen C0950123, MeSH D030342.

Allele frequency attached by ClinVar (database versions not stated): TOPMed 0.00003; gnomAD 0.00004 and 0.00005; gnomAD exomes 0.00008 and 0.00010; ExAC 0.00011.
gnomAD v4.1: 122 of 1,607,266 alleles (0.0076%); highest among the groups gnomAD compares: South Asian, 0.035%; no homozygotes.

Submissions (4):

CeGaT Center for Human Genetics Tuebingen
Classification: Uncertain significance. Last evaluated: 2025-09-01. Review status: criteria provided, single submitter. Criteria: CeGaT Center For Human Genetics Tuebingen Variant Classification Criteria Version 2. Collection method: clinical testing. Allele origin: germline. Affected: yes. Observed: 1 variant allele.
Comment: SNAP29: PM2

Labcorp Genetics (formerly Invitae), Labcorp
Classification: Uncertain significance. Last evaluated: 2025-08-04. Review status: criteria provided, single submitter. Criteria: Invitae Variant Classification Sherloc (09022015). Collection method: clinical testing. Allele origin: germline.
Comment: This sequence change replaces tyrosine, which is neutral and polar, with cysteine, which is neutral and slightly polar, at codon 44 of the SNAP29 protein (p.Tyr44Cys). This variant is present in population databases (rs780679643, gnomAD 0.03%). This variant has not been reported in the literature in individuals affected with SNAP29-related conditions. ClinVar contains an entry for this variant (Variation ID: 1336073). Invitae Evidence Modeling of protein sequence and biophysical properties (such as structural, functional, and spatial information, amino acid conservation, physicochemical variation, residue mobility, and thermodynamic stability) indicates that this missense variant is not expected to disrupt SNAP29 protein function with a negative predictive value of 80%. In summary, the available evidence is currently insufficient to determine the role of this variant in disease. Therefore, it has been classified as a Variant of Uncertain Significance.

Ambry Genetics
Classification: Uncertain significance for Inborn genetic diseases. Last evaluated: 2023-12-20. Review status: criteria provided, single submitter. Criteria: Ambry Variant Classification Scheme 2023. Collection method: clinical testing. Allele origin: germline.

Genetic Services Laboratory, University of Chicago
Classification: Uncertain significance. Last evaluated: 2017-11-28. Review status: criteria provided, single submitter. Criteria: ACMG Guidelines, 2015. Collection method: clinical testing. Allele origin: germline. Affected: no.